The following is an entry in ClinVar:

NM_001349253.2(SCN11A):c.35A>G (p.Asp12Gly)

Gene: SCN11A (sodium voltage-gated channel alpha subunit 11; minus strand). Cytogenetic location: 3p22.2.
Variant type: single nucleotide variant.
Coding change: c.35A>G on transcript NM_001349253.2 (MANE Select); coding-DNA position 35, A replaced by G.
Protein change: p.Asp12Gly; replaces aspartic acid 12 with glycine.
Molecular consequence: missense variant.
Genome position (GRCh38, 1-based): chr3:38,950,328, T>C on the plus strand (A>G on the coding strand, the complement: SCN11A is on the minus strand). VCF-style: chr3-38950328-T-C. GRCh37 (hg19) VCF-style: chr3-38991819-T-C.
Other names: p.Asp12Gly; c.35A>G, p.Asp12Gly (NM_014139.3); short protein forms D12G.
Identifiers: ClinVar variation 4540856 (VCV004540856.1).
Genomic context (GRCh38, chr3:38,950,328, plus strand): 5'-GCAATCCGCTTCTCAATTGCAGCCAGAGAGTCGGAAGTGAAGGGGCGGAAATTCCGCTCA[T>C]CTGGAAAGATTACTGGGTAGCATCTGTCATCCATCTTCACCCTCAGGACAGAGACAAGCC-3'
Protein context (NP_001336182.1, residues 2-22): DDRCYPVIFP[Asp12Gly]ERNFRPFTSD

ClinVar aggregate classification (germline): Uncertain significance (1 of 4 stars; one submission).

Submission:

Mayo Clinic Laboratories, Mayo Clinic
Classification: Uncertain significance. Last evaluated: 2025-05-19. Review status: criteria provided, single submitter. Criteria: ACMG Guidelines, 2015. Collection method: clinical testing. Allele origin: germline. Observed: 1 variant allele.
Comment: BP4